The following is an entry in ClinVar:

NM_004525.3(LRP2):c.13238C>T (p.Ala4413Val)

Gene: LRP2 (LDL receptor related protein 2; minus strand). Cytogenetic location: 2q31.1.
Variant type: single nucleotide variant.
Coding change: c.13238C>T on transcript NM_004525.3 (MANE Select); coding-DNA position 13238, C replaced by T.
Protein change: p.Ala4413Val; replaces alanine 4413 with valine.
Molecular consequence: missense variant.
Genome position (GRCh38, 1-based): chr2:169,139,572, G>A on the plus strand (C>T on the coding strand, the complement: LRP2 is on the minus strand). VCF-style: chr2-169139572-G-A. GRCh37 (hg19) VCF-style: chr2-169996082-G-A.
Other names: short protein forms A4413V.
Identifiers: ClinVar variation 1522061 (VCV001522061.9), dbSNP rs144456548, ClinGen allele CA1952605.

ClinVar aggregate classification (germline): Uncertain significance. Review status: criteria provided, multiple submitters, no conflicts (2 of 4 stars). 4 submissions from 4 submitters: Uncertain significance (4). Last evaluated 2026-04-29.

Conditions:
Donnai-Barrow syndrome. Also called: DBS/FOAR SYNDROME; FACIOOCULOACOUSTICORENAL SYNDROME. Identifiers: Orphanet 2143, MedGen C1857277, MONDO:0009104, OMIM 222448.

Allele frequency attached by ClinVar (database versions not stated): ExAC 0.00001; gnomAD 0.00001; gnomAD exomes 0.00002; TOPMed 0.00003; ESP Exome Variant Server 0.00008.

Submissions (4):

GeneDx
Classification: Uncertain significance. Last evaluated: 2026-04-29. Review status: criteria provided, single submitter. Criteria: GeneDx Variant Classification Process June 2021. Collection method: clinical testing. Allele origin: germline.
Comment: In silico analysis supports that this missense variant does not alter protein structure/function; Has not been previously published as pathogenic or benign to our knowledge

Labcorp Genetics (formerly Invitae), Labcorp
Classification: Uncertain significance. Last evaluated: 2024-01-15. Review status: criteria provided, single submitter. Criteria: Invitae Variant Classification Sherloc (09022015). Collection method: clinical testing. Allele origin: germline.
Comment: This sequence change replaces alanine, which is neutral and non-polar, with valine, which is neutral and non-polar, at codon 4413 of the LRP2 protein (p.Ala4413Val). This variant is present in population databases (rs144456548, gnomAD 0.007%). This variant has not been reported in the literature in individuals affected with LRP2-related conditions. ClinVar contains an entry for this variant (Variation ID: 1522061). Advanced modeling of protein sequence and biophysical properties (such as structural, functional, and spatial information, amino acid conservation, physicochemical variation, residue mobility, and thermodynamic stability) performed at Invitae indicates that this missense variant is not expected to disrupt LRP2 protein function with a negative predictive value of 95%. In summary, the available evidence is currently insufficient to determine the role of this variant in disease. Therefore, it has been classified as a Variant of Uncertain Significance.

Fulgent Genetics
Classification: Uncertain significance for Donnai-Barrow syndrome. Last evaluated: 2022-03-09. Review status: criteria provided, single submitter. Criteria: ACMG Guidelines, 2015. Collection method: clinical testing. Allele origin: unknown.

Blueprint Genetics
Classification: Uncertain significance. Last evaluated: 2018-07-17. Review status: criteria provided, single submitter. Criteria: ACMG Guidelines, 2015. Collection method: clinical testing. Allele origin: germline.